The following is an entry in ClinVar:

NM_152416.4(NDUFAF6):c.8C>G (p.Ala3Gly)

Genes: NDUFAF6 (NADH:ubiquinone oxidoreductase complex assembly factor 6; plus strand), LOC113788297 (Sharpr-MPRA regulatory region 2014; plus strand). Cytogenetic location: 8q22.1.
Variant type: single nucleotide variant.
Coding change: c.8C>G on transcript NM_152416.4 (MANE Select); coding-DNA position 8, C replaced by G.
Protein change: p.Ala3Gly; replaces alanine 3 with glycine.
Molecular consequence: missense variant. On other transcripts: 5 prime UTR variant (12), non-coding transcript variant (6), intron variant (7).
Genome position (GRCh38, 1-based): chr8:95,025,016, C>G. VCF-style: chr8-95025016-C-G. GRCh37 (hg19) VCF-style: chr8-96037244-C-G.
Other names: c.-273C>G (NM_001330582.2, NM_001354521.2); c.-226C>G (NM_001354517.2); c.-445C>G (NM_001354518.2); c.-441C>G (NM_001354519.2); c.-790C>G (NM_001354527.2); c.-761C>G (NM_001354528.2); c.-573C>G (NM_001354529.2); c.-675C>G (NM_001354530.2); and 8 more; short protein forms A3G.
Identifiers: ClinVar variation 1033149 (VCV001033149.1), dbSNP rs760443320, ClinGen allele CA371742123.

ClinVar aggregate classification (germline): Uncertain significance (1 of 4 stars; one submission).

Conditions:
Leigh syndrome (NULS). Also called: Subacute necrotizing encephalopathy; Necrotizing encephalopathy infantile subacute of Leigh; Leigh's syndrome; Leigh Disease; LEIGH SYNDROME, NUCLEAR; Leigh's necrotizing encephalopathy. Identifiers: Orphanet 506, MedGen C2931891, MONDO:0009723, OMIM 256000.

Allele frequency attached by ClinVar (database versions not stated): TOPMed 0.00008.
gnomAD v4.1: 227 of 1,344,190 alleles (0.017%); highest among the groups gnomAD compares: Non-Finnish European, 0.019%; no homozygotes.

Submission:

Baylor Genetics
Classification: Uncertain significance for Leigh syndrome. Last evaluated: 2018-11-12. Review status: criteria provided, single submitter. Criteria: ACMG Guidelines, 2015. Collection method: clinical testing. Allele origin: unknown. Affected: yes.
Comment: This variant was determined to be of uncertain significance according to ACMG Guidelines, 2015 [PMID:25741868].